The following is an entry in ClinVar:

ClinVar aggregate classification (germline): Uncertain significance. Review status: criteria provided, multiple submitters, no conflicts (2 of 4 stars). 2 submissions from 2 submitters: Uncertain significance (2). Last evaluated 2025-08-30.

Allele frequency attached by ClinVar (database versions not stated): gnomAD exomes 0.00001.
gnomAD v4.1: 16 of 1,611,144 alleles (0.00099%); highest among the groups gnomAD compares: Non-Finnish European, 0.0011%; no homozygotes.

Submissions (2):

Ambry Genetics
Classification: Uncertain significance. Last evaluated: 2025-08-30. Review status: criteria provided, single submitter. Criteria: Ambry Variant Classification Scheme 2023. Collection method: clinical testing. Allele origin: germline.

Labcorp Genetics (formerly Invitae), Labcorp
Classification: Uncertain significance. Last evaluated: 2021-09-17. Review status: criteria provided, single submitter. Criteria: Invitae Variant Classification Sherloc (09022015). Collection method: clinical testing. Allele origin: germline.
Comment: This sequence change replaces glutamine with lysine at codon 947 of the CCDC88A protein (p.Gln947Lys). The glutamine residue is moderately conserved and there is a small physicochemical difference between glutamine and lysine. This variant is not present in population databases (ExAC no frequency). This variant has not been reported in the literature in individuals with CCDC88A-related conditions. Algorithms developed to predict the effect of missense changes on protein structure and function (SIFT, PolyPhen-2, Align-GVGD) all suggest that this variant is likely to be tolerated, but these predictions have not been confirmed by published functional studies and their clinical significance is uncertain. In summary, the available evidence is currently insufficient to determine the role of this variant in disease. Therefore, it has been classified as a Variant of Uncertain Significance.

NM_001365480.1(CCDC88A):c.2839C>A (p.Gln947Lys)

Gene: CCDC88A (coiled-coil and HOOK domain protein 88A; minus strand). Cytogenetic location: 2p16.1.
Variant type: single nucleotide variant.
Coding change: c.2839C>A on transcript NM_001365480.1 (MANE Select); coding-DNA position 2839, C replaced by A.
Protein change: p.Gln947Lys; replaces glutamine 947 with lysine.
Molecular consequence: missense variant.
Genome position (GRCh38, 1-based): chr2:55,332,582, G>T on the plus strand (C>A on the coding strand, the complement: CCDC88A is on the minus strand). VCF-style: chr2-55332582-G-T. GRCh37 (hg19) VCF-style: chr2-55559718-G-T.
Other names: c.2839C>A, p.Gln947Lys (NM_001135597.2, NM_001254943.2, NM_018084.5); c.2839C>A (NM_001135597.1); short protein forms Q947K.
Identifiers: ClinVar variation 1396377 (VCV001396377.6), dbSNP rs1337283133, ClinGen allele CA346896703.